The following is an entry in ClinVar:

ClinVar aggregate classification (germline): Conflicting classifications of pathogenicity. Review status: criteria provided, conflicting classifications (1 of 4 stars). 2 submissions from 2 submitters: Pathogenic (1); Uncertain significance (1). Last evaluated 2026-06-17.

Conditions:
Neurofibromatosis, type 1 (NF1). Also called: VON RECKLINGHAUSEN DISEASE; Peripheral type neurofibromatosis; NEUROFIBROMATOSIS, TYPE I, SOMATIC; Neurofibromatosis, type I. Identifiers: Orphanet 636, MedGen C0027831, MONDO:0018975, OMIM 162200. Disease mechanism: loss of function.
Hereditary cancer-predisposing syndrome. Also called: Hereditary Cancer Syndrome; Hereditary neoplastic syndrome; Neoplastic Syndromes, Hereditary; Tumor predisposition. Identifiers: Orphanet 140162, MedGen C0027672, MeSH D009386, MONDO:0015356.
Cardiovascular phenotype. Identifiers: MedGen CN230736.

Submissions (2):

Ambry Genetics
Classification: Pathogenic for Cardiovascular phenotype; Hereditary cancer-predisposing syndrome. Last evaluated: 2026-06-17. Review status: criteria provided, single submitter. Criteria: Ambry Variant Classification Scheme 2023. Collection method: clinical testing. Allele origin: germline.
Comment: The c.1260+6T>A intronic pathogenic mutation results from a T to A substitution 6 nucleotides after coding exon 11 in the NF1 gene. This variant was reported in individual(s) with features consistent with neurofibromatosis type 1 (Ambry internal data). This nucleotide position is highly conserved in available vertebrate species. In silico splice site analysis predicts that this alteration will weaken the native splice donor site. RNA studies have demonstrated that this variant results in abnormal splicing in the set of samples tested (Ambry internal data). Other variant(s) impacting the same donor site (c.1260+1G>T, c.1260+2>C, and c.1261+5G>A) have been shown to have a similar impact on splicing in individual(s) with features consistent with neurofibromatosis type 1 (Ambry internal data).This variant is considered to be rare based on population cohorts in the Genome Aggregation Database (gnomAD). Based on the supporting evidence, this variant is interpreted as a disease-causing mutation.

Institute of Human Genetics, University of Leipzig Medical Center
Classification: Uncertain significance for Neurofibromatosis, type 1. Last evaluated: 2023-07-13. Review status: criteria provided, single submitter. Criteria: ACMG Guidelines, 2015. Collection method: clinical testing. Allele origin: unknown. Inheritance: Autosomal dominant inheritance. Affected: yes.
Comment: Criteria applied: PM2_SUP,PP3

NM_001042492.3(NF1):c.1260+6T>A

Gene: NF1 (neurofibromin 1; plus strand). Cytogenetic location: 17q11.2.
Variant type: single nucleotide variant.
Coding change: c.1260+6T>A on transcript NM_001042492.3 (MANE Select); 6 bases into the intron after coding-DNA position 1260, T replaced by A.
Molecular consequence: intron variant.
Genome position (GRCh38, 1-based): chr17:31,201,491, T>A. VCF-style: chr17-31201491-T-A. GRCh37 (hg19) VCF-style: chr17-29528509-T-A.
Other names: c.1260+6T>A (NM_000267.3, NM_000267.4, NM_001128147.3).
Identifiers: ClinVar variation 2500301 (VCV002500301.5), dbSNP rs1555611111, ClinGen allele CA2580092998.
Genomic context (GRCh38, chr17:31,201,491, plus strand): 5'-ACCTTCTACATTTCACTATGTGCTGGTAAATTCACTCCATCGAATCATCACCAATGTAAG[T>A]CCAAAAGGTATTGCTAAATTACTAAAAAAATTTTTTTCTTTCTTTTCTTTGCGTATTTCT-3'